The following is an entry in ClinVar:

NM_001134407.3(GRIN2A):c.*4739T>C

Gene: GRIN2A (glutamate ionotropic receptor NMDA type subunit 2A; minus strand). Cytogenetic location: 16p13.2.
Variant type: single nucleotide variant.
Coding change: c.*4739T>C on transcript NM_001134407.3 (MANE Select); 4739 bases downstream of the stop codon, T replaced by C.
Molecular consequence: 3 prime UTR variant.
Genome position (GRCh38, 1-based): chr16:9,758,410, A>G on the plus strand (T>C on the coding strand, the complement: GRIN2A is on the minus strand). VCF-style: chr16-9758410-A-G. GRCh37 (hg19) VCF-style: chr16-9852267-A-G.
Other names: c.*4739T>C (NM_000833.5); c.*4945T>C (NM_001134408.2).
Identifiers: ClinVar variation 321540 (VCV000321540.5), dbSNP rs111346223, ClinGen allele CA10648476.

ClinVar aggregate classification (germline): Benign (1 of 4 stars; one submission).

Conditions:
Landau-Kleffner syndrome (FESD). Also called: EPILEPSY, FOCAL, WITH SPEECH DISORDER AND WITH OR WITHOUT MENTAL RETARDATION; APHASIA, ACQUIRED, WITH EPILEPSY. Identifiers: Orphanet 1945, Orphanet 725, Orphanet 98818, MedGen C0282512, MONDO:0009509, OMIM 245570.

Allele frequency attached by ClinVar (database versions not stated): 1000 Genomes Project 0.02456; TOPMed 0.02693; gnomAD exomes 0.01432; gnomAD 0.02453 and 0.02592; 1000 Genomes Project 30x 0.02561.
gnomAD v4.1: 4,749 of 222,302 alleles (2.1%); highest among the groups gnomAD compares: African/African-American, 5.9%; 77 homozygotes.

Submission:

Illumina Laboratory Services, Illumina
Classification: Benign for Landau-Kleffner syndrome. Last evaluated: 2018-01-12. Review status: criteria provided, single submitter. Criteria: ICSL Variant Classification Criteria 13 December 2019. Collection method: clinical testing. Allele origin: germline.
Comment: This variant was observed in the ICSL laboratory as part of a predisposition screen in an ostensibly healthy population. It had not been previously curated by ICSL or reported in the Human Gene Mutation Database (HGMD: prior to June 1st, 2018), and was therefore a candidate for classification through an automated scoring system. Utilizing variant allele frequency, disease prevalence and penetrance estimates, and inheritance mode, an automated score was calculated to assess if this variant is too frequent to cause the disease. Based on the score and internal cut-off values, a variant classified as benign is not then subjected to further curation. The score for this variant resulted in a classification of benign for this disease.